The following is an entry in ClinVar:

ClinVar aggregate classification (germline): Likely benign. Review status: criteria provided, multiple submitters, no conflicts (2 of 4 stars). 3 submissions from 3 submitters: Likely benign (2). 1 of the submissions does not count toward it. Last evaluated 2026-01-09.

Conditions:
Rubinstein-Taybi syndrome due to EP300 haploinsufficiency. Also called: EP300-Related Rubinstein-Taybi Syndrome; RUBINSTEIN-TAYBI SYNDROME 2. Identifiers: Orphanet 353284, Orphanet 783, MedGen C3150941, MONDO:0013364, OMIM 613684.
EP300-related disorder. Also called: EP300-related condition; EP300-related disorders.

Submissions (3):

Labcorp Genetics (formerly Invitae), Labcorp
Classification: Likely benign for Rubinstein-Taybi syndrome due to EP300 haploinsufficiency. Last evaluated: 2026-01-09. Review status: criteria provided, single submitter. Criteria: Invitae Variant Classification Sherloc (09022015). Collection method: clinical testing. Allele origin: germline.

Blueprint Genetics
Classification: Likely benign. Last evaluated: 2024-10-18. Review status: criteria provided, single submitter. Criteria: ACMG Guidelines, 2015. Collection method: clinical testing. Allele origin: germline.

PreventionGenetics, part of Exact Sciences
Classification: Likely benign for EP300-related condition. Last evaluated: 2024-09-06. Review status: no assertion criteria provided. Collection method: clinical testing. Allele origin: germline. Not counted in ClinVar's aggregate classification.
Comment: This variant is classified as likely benign based on ACMG/AMP sequence variant interpretation guidelines (Richards et al. 2015 PMID: 25741868, with internal and published modifications).

NM_001429.4(EP300):c.3671+5_3671+7dup

Gene: EP300 (EP300 lysine acetyltransferase; plus strand). Cytogenetic location: 22q13.2.
Variant type: Duplication.
Coding change: c.3671+5_3671+7dup on transcript NM_001429.4 (MANE Select); bases 5 to 7 of the intron after coding-DNA position 3671, 3 bases duplicated (GTA; older notation c.3671+5_3671+7dupGTA).
Molecular consequence: intron variant.
Genome position (GRCh38, 1-based): chr22:41,160,727-41,160,729, GTA duplicated; duplicating any 3 consecutive bases within chr22:41,160,726-41,160,729 gives the same sequence; the c. name uses the placement nearest the transcript's 3' end. VCF-style (leftmost placement, unchanged base first): chr22-41160725-A-AAGT. GRCh37 (hg19) VCF-style: chr22-41556729-A-AAGT.
Other names: c.3593+5_3593+7dup (NM_001362843.2); c.3671+5_3671+7dupGTA (NM_001429.3).
Identifiers: ClinVar variation 2142977 (VCV002142977.6), dbSNP rs774612000, ClinGen allele CA10253176.